The following is an entry in ClinVar:

NM_021815.5(SLC5A7):c.532G>A (p.Val178Met)

Gene: SLC5A7 (solute carrier family 5 member 7; plus strand). Cytogenetic location: 2q12.3.
Variant type: single nucleotide variant.
Coding change: c.532G>A on transcript NM_021815.5 (MANE Select); coding-DNA position 532, G replaced by A.
Protein change: p.Val178Met; replaces valine 178 with methionine.
Molecular consequence: missense variant. On other transcripts: 5 prime UTR variant (1).
Genome position (GRCh38, 1-based): chr2:107,997,921, G>A. VCF-style: chr2-107997921-G-A. GRCh37 (hg19) VCF-style: chr2-108614377-G-A.
Other names: c.532G>A, p.Val178Met (NM_001305005.3); c.217G>A, p.Val73Met (NM_001305006.3); c.-173G>A (NM_001305007.3); short protein forms V73M, V178M.
Identifiers: ClinVar variation 2001662 (VCV002001662.4), dbSNP rs2467083294, ClinGen allele CA348112549.

ClinVar aggregate classification (germline): Uncertain significance (1 of 4 stars; one submission).

Conditions:
Congenital myasthenic syndrome 20. Also called: Myasthenic syndrome, congenital, 20, presynaptic. Identifiers: MedGen C4310694, MONDO:0014939, OMIM 617143.
Neuronopathy, distal hereditary motor, type 7A. Also called: Neuronopathy, distal hereditary motor, type viia; HARPER-YOUNG MYOPATHY; HMN VIIA; SPINAL MUSCULAR ATROPHY, DISTAL, WITH VOCAL CORD PARALYSIS; NEURONOPATHY, DISTAL HEREDITARY MOTOR, HARDING TYPE VIIA; NEUROPATHY, DISTAL HEREDITARY MOTOR, HARDING TYPE VIIA. Identifiers: Orphanet 139589, MedGen C1834703, MONDO:0008024, OMIM 158580.

Submission:

Labcorp Genetics (formerly Invitae), Labcorp
Classification: Uncertain significance for Neuronopathy, distal hereditary motor, type 7A; Congenital myasthenic syndrome 20. Last evaluated: 2022-06-01. Review status: criteria provided, single submitter. Criteria: Invitae Variant Classification Sherloc (09022015). Collection method: clinical testing. Allele origin: germline.
Comment: This sequence change replaces valine, which is neutral and non-polar, with methionine, which is neutral and non-polar, at codon 178 of the SLC5A7 protein (p.Val178Met). This variant is not present in population databases (gnomAD no frequency). This variant has not been reported in the literature in individuals affected with SLC5A7-related conditions. Algorithms developed to predict the effect of missense changes on protein structure and function are either unavailable or do not agree on the potential impact of this missense change (SIFT: "Deleterious"; PolyPhen-2: "Benign"; Align-GVGD: "Class C0"). In summary, the available evidence is currently insufficient to determine the role of this variant in disease. Therefore, it has been classified as a Variant of Uncertain Significance.